The following is an entry in ClinVar:

NM_005560.6(LAMA5):c.6405G>A (p.Pro2135=)

Gene: LAMA5 (laminin subunit alpha 5; minus strand). Cytogenetic location: 20q13.33.
Variant type: single nucleotide variant.
Coding change: c.6405G>A on transcript NM_005560.6 (MANE Select); coding-DNA position 6405, G replaced by A.
Protein change: p.Pro2135=; no amino-acid change (proline 2135 retained).
Molecular consequence: synonymous variant.
Genome position (GRCh38, 1-based): chr20:62,322,110, C>T on the plus strand (G>A on the coding strand, the complement: LAMA5 is on the minus strand). VCF-style: chr20-62322110-C-T. GRCh37 (hg19) VCF-style: chr20-60897166-C-T.
Other names: c.6405G>A (NM_005560.4).
Identifiers: ClinVar variation 2075841 (VCV002075841.5), dbSNP rs200956593, ClinGen allele CA9941758.
Genomic context (GRCh38, chr20:62,322,110, plus strand): 5'-GCCTGGAACAGGCACCTGATGCTGCTGGCTGCAGGTGTCGCAGCGCTCCCCGCTGAGCCC[C>T]GGGGGGCAGTTGCAGCGGCCCGTGTGAGGGTCACAGCGGCCCCCAGGGCACTGGCAGCCT-3'
Protein context (NP_005551.3, residues 2125-2145): DPHTGRCNCP[Pro2135=]GLSGERCDTC

ClinVar aggregate classification (germline): Conflicting classifications of pathogenicity. Review status: criteria provided, conflicting classifications (1 of 4 stars). 2 submissions from 2 submitters: Uncertain significance (1); Likely benign (1). Last evaluated 2026-06-10.

Conditions:
LAMA5-related disorder. Also called: LAMA5-related condition; LAMA5-Related Disorders.

Allele frequency attached by ClinVar (database versions not stated): gnomAD 0.00007; TOPMed 0.00009; ExAC 0.00013; 1000 Genomes Project 30x 0.00031; 1000 Genomes Project 0.00040.
gnomAD v4.1: 62 of 1,602,454 alleles (0.0039%); highest among the groups gnomAD compares: East Asian, 0.072%; 1 homozygote.

Submissions (2):

PreventionGenetics, part of Exact Sciences
Classification: Uncertain significance for LAMA5-related condition. Last evaluated: 2026-06-10. Review status: criteria provided, single submitter. Criteria: ACMG Guidelines, 2015. Collection method: clinical testing. Allele origin: germline.
Comment: The LAMA5 c.6405G>A variant is not predicted to result in an amino acid change (p.=). To our knowledge, this variant has not been reported in the literature. This variant is reported in 0.093% of alleles in individuals of East Asian descent in gnomAD. Although we suspect that this variant may be benign, at this time, the clinical significance of this variant is uncertain due to the absence of conclusive functional and genetic evidence.

Labcorp Genetics (formerly Invitae), Labcorp
Classification: Likely benign. Last evaluated: 2025-07-23. Review status: criteria provided, single submitter. Criteria: Invitae Variant Classification Sherloc (09022015). Collection method: clinical testing. Allele origin: germline.